The following is an entry in ClinVar:

NM_015175.3(NBEAL2):c.296G>A (p.Arg99Gln)

Gene: NBEAL2 (neurobeachin like 2; plus strand). Cytogenetic location: 3p21.31.
Variant type: single nucleotide variant.
Coding change: c.296G>A on transcript NM_015175.3 (MANE Select); coding-DNA position 296, G replaced by A.
Protein change: p.Arg99Gln; replaces arginine 99 with glutamine.
Molecular consequence: missense variant.
Genome position (GRCh38, 1-based): chr3:46,989,111, G>A. VCF-style: chr3-46989111-G-A. GRCh37 (hg19) VCF-style: chr3-47030601-G-A.
Other names: c.275G>A, p.Arg92Gln (NM_001365116.2); short protein forms R99Q, R92Q.
Identifiers: ClinVar variation 3877857 (VCV003877857.2).

ClinVar aggregate classification (germline): Uncertain significance. Review status: criteria provided, multiple submitters, no conflicts (2 of 4 stars). 2 submissions from 2 submitters: Uncertain significance (2). Last evaluated 2026-05-06.

Conditions:
Inborn genetic diseases. Identifiers: MedGen C0950123, MeSH D030342.

Submissions (2):

Women's Health and Genetics/Laboratory Corporation of America, LabCorp
Classification: Uncertain significance. Last evaluated: 2026-05-06. Review status: criteria provided, single submitter. Criteria: LabCorp Variant Classification Summary - May 2015. Collection method: clinical testing. Allele origin: germline.
Comment: Variant summary: NBEAL2 c.296G>A (p.Arg99Gln) results in a conservative amino acid change in the encoded protein sequence. Algorithms developed to predict the effect of missense changes on protein structure and function are either unavailable or do not agree on the potential impact of this missense change. The variant allele was found at a frequency of 5.3e-05 in 247468 control chromosomes. This frequency is not significantly higher than estimated for disease-causing variants in NBEAL2, allowing no conclusion about variant significance. To our knowledge, no occurrence of c.296G>A in individuals affected with NBEAL2-related conditions and no experimental evidence demonstrating its impact on protein function have been reported. ClinVar contains an entry for this variant (Variation ID: 3877857). Based on the evidence outlined above, the variant was classified as uncertain significance.

Ambry Genetics
Classification: Uncertain significance for Inborn genetic diseases. Last evaluated: 2025-02-06. Review status: criteria provided, single submitter. Criteria: Ambry Variant Classification Scheme 2023. Collection method: clinical testing. Allele origin: germline.